The following is an entry in ClinVar:

ClinVar aggregate classification (germline): Uncertain significance (1 of 4 stars; one submission).

Conditions:
Sulfite oxidase deficiency due to molybdenum cofactor deficiency type A. Also called: Molybdenum cofactor deficiency, complementation group A; Molybdenum Cofactor Deficiency A. Identifiers: Orphanet 308386, Orphanet 833, MedGen C1854988, MONDO:0009643, OMIM 252150.

Allele frequency attached by ClinVar (database versions not stated): ExAC 0.00001.
gnomAD v4.1: 23 of 1,613,798 alleles (0.0014%); highest among the groups gnomAD compares: Non-Finnish European, 0.0019%; no homozygotes.

Submission:

Labcorp Genetics (formerly Invitae), Labcorp
Classification: Uncertain significance for Sulfite oxidase deficiency due to molybdenum cofactor deficiency type A. Last evaluated: 2021-08-30. Review status: criteria provided, single submitter. Criteria: Invitae Variant Classification Sherloc (09022015). Collection method: clinical testing. Allele origin: germline.
Comment: This sequence change replaces alanine with proline at codon 346 of the MOCS1 protein (p.Ala346Pro). The alanine residue is highly conserved and there is a small physicochemical difference between alanine and proline. This variant is present in population databases (rs746533600, ExAC 0.001%). This variant has not been reported in the literature in individuals affected with MOCS1-related conditions. Algorithms developed to predict the effect of missense changes on protein structure and function are either unavailable or do not agree on the potential impact of this missense change (SIFT: "Tolerated"; PolyPhen-2: "Possibly Damaging"; Align-GVGD: "Class C0"). In summary, the available evidence is currently insufficient to determine the role of this variant in disease. Therefore, it has been classified as a Variant of Uncertain Significance.

NM_001358530.2(MOCS1):c.1036G>C (p.Ala346Pro)

Gene: MOCS1 (molybdenum cofactor synthesis 1; minus strand). Cytogenetic location: 6p21.2.
Variant type: single nucleotide variant.
Coding change: c.1036G>C on transcript NM_001358530.2 (MANE Select); coding-DNA position 1036, G replaced by C.
Protein change: p.Ala346Pro; replaces alanine 346 with proline.
Molecular consequence: missense variant. On other transcripts: non-coding transcript variant (1).
Genome position (GRCh38, 1-based): chr6:39,909,901, C>G on the plus strand (G>C on the coding strand, the complement: MOCS1 is on the minus strand). VCF-style: chr6-39909901-C-G. GRCh37 (hg19) VCF-style: chr6-39877645-C-G.
Other names: c.1036G>C, p.Ala346Pro (NM_001075098.4, NM_001358529.2, NM_005943.6); c.775G>C, p.Ala259Pro (NM_001358531.2, NM_001358533.2, NM_001358534.2); short protein forms A346P, A259P.
Identifiers: ClinVar variation 1476392 (VCV001476392.5), dbSNP rs746533600, ClinGen allele CA3796068.